The following is an entry in ClinVar:

ClinVar aggregate classification (germline): Likely benign (1 of 4 stars; one submission).

Allele frequency attached by ClinVar (database versions not stated): 1000 Genomes Project 0.00100.

Submission:

CeGaT Center for Human Genetics Tuebingen
Classification: Likely benign. Last evaluated: 2024-01-01. Review status: criteria provided, single submitter. Criteria: CeGaT Center For Human Genetics Tuebingen Variant Classification Criteria Version 2. Collection method: clinical testing. Allele origin: germline. Affected: yes. Observed: 1 variant allele.
Comment: PRAMEF2: BS2

NM_023014.1(PRAMEF2):c.560A>G (p.Asn187Ser)

Genes: PRAMEF2 (PRAME family member 2; plus strand), LOC126805622 (CDK7 strongly-dependent group 2 enhancer GRCh37_chr1:12919058-12920257; plus strand). Cytogenetic location: 1p36.21.
Variant type: single nucleotide variant.
Coding change: c.560A>G on transcript NM_023014.1 (MANE Select); coding-DNA position 560, A replaced by G.
Protein change: p.Asn187Ser; replaces asparagine 187 with serine.
Molecular consequence: missense variant.
Genome position (GRCh38, 1-based): chr1:12,859,965, A>G. VCF-style: chr1-12859965-A-G. GRCh37 (hg19) VCF-style: chr1-12919820-A-G.
Other names: short protein forms N187S.
Identifiers: ClinVar variation 3025318 (VCV003025318.22), dbSNP rs200557418, ClinGen allele CA608060.